The following is an entry in ClinVar:

ClinVar aggregate classification (germline): Uncertain significance (1 of 4 stars; one submission).

Submission:

CeGaT Center for Human Genetics Tuebingen
Classification: Uncertain significance. Last evaluated: 2024-07-01. Review status: criteria provided, single submitter. Criteria: CeGaT Center For Human Genetics Tuebingen Variant Classification Criteria Version 2. Collection method: clinical testing. Allele origin: germline. Affected: yes. Observed: 1 variant allele.
Comment: COL12A1: PM2, BP4

NM_004370.6(COL12A1):c.3443+4G>A

Gene: COL12A1 (collagen type XII alpha 1 chain; minus strand). Cytogenetic location: 6q13.
Variant type: single nucleotide variant.
Coding change: c.3443+4G>A on transcript NM_004370.6 (MANE Select); 4 bases into the intron after coding-DNA position 3443, G replaced by A.
Molecular consequence: intron variant.
Genome position (GRCh38, 1-based): chr6:75,155,658, C>T on the plus strand (G>A on the coding strand, the complement: COL12A1 is on the minus strand). VCF-style: chr6-75155658-C-T. GRCh37 (hg19) VCF-style: chr6-75865374-C-T.
Other names: c.74-3176G>A (NM_001424116.1, NM_080645.3); c.3170+4G>A (NM_001424115.1); c.3443+4G>A (NM_001424114.1, NM_001424113.1).
Identifiers: ClinVar variation 3257383 (VCV003257383.17).